The following is an entry in ClinVar:

ClinVar aggregate classification (germline): Likely benign (1 of 4 stars; one submission).

Allele frequency attached by ClinVar (database versions not stated): gnomAD 0.00001; gnomAD exomes 0.00001; 1000 Genomes Project 30x 0.00016; 1000 Genomes Project 0.00020.
gnomAD v4.1: 6 of 1,613,610 alleles (0.00037%); highest among the groups gnomAD compares: African/African-American, 0.008%; no homozygotes.

Submission:

CeGaT Center for Human Genetics Tuebingen
Classification: Likely benign. Last evaluated: 2022-11-01. Review status: criteria provided, single submitter. Criteria: CeGaT Center For Human Genetics Tuebingen Variant Classification Criteria Version 2. Collection method: clinical testing. Allele origin: germline. Affected: yes. Observed: 1 variant allele.
Comment: GRIK2: BP4, BP7

NM_021956.5(GRIK2):c.900A>G (p.Arg300=)

Gene: GRIK2 (glutamate ionotropic receptor kainate type subunit 2; plus strand). Cytogenetic location: 6q16.3.
Variant type: single nucleotide variant.
Coding change: c.900A>G on transcript NM_021956.5 (MANE Select); coding-DNA position 900, A replaced by G.
Protein change: p.Arg300=; no amino-acid change (arginine 300 retained).
Molecular consequence: synonymous variant.
Genome position (GRCh38, 1-based): chr6:101,686,302, A>G. VCF-style: chr6-101686302-A-G. GRCh37 (hg19) VCF-style: chr6-102134177-A-G.
Other names: c.900A>G, p.Arg300= (NM_175768.3, NM_001166247.1).
Identifiers: ClinVar variation 2656789 (VCV002656789.24), dbSNP rs531712290, ClinGen allele CA144646728.